The following is an entry in ClinVar:

NM_000512.5(GALNS):c.1108C>T (p.Pro370Ser)

Gene: GALNS (galactosamine (N-acetyl)-6-sulfatase; minus strand). Cytogenetic location: 16q24.3.
Variant type: single nucleotide variant.
Coding change: c.1108C>T on transcript NM_000512.5 (MANE Select); coding-DNA position 1108, C replaced by T.
Protein change: p.Pro370Ser; replaces proline 370 with serine.
Molecular consequence: missense variant.
Genome position (GRCh38, 1-based): chr16:88,826,733, G>A on the plus strand (C>T on the coding strand, the complement: GALNS is on the minus strand). VCF-style: chr16-88826733-G-A. GRCh37 (hg19) VCF-style: chr16-88893141-G-A.
Other names: c.553C>T, p.Pro185Ser (NM_001323543.2); c.1126C>T, p.Pro376Ser (NM_001323544.2); short protein forms P370S, P376S, P185S.
Identifiers: ClinVar variation 884853 (VCV000884853.13), dbSNP rs749891007, ClinGen allele CA8234824.
Genomic context (GRCh38, chr16:88,826,733, plus strand): 5'-GAAGGGGCCGGGGCAGGTCTAGCACCAACCTGTCCATCAGCCGGCCCTGCAGGAGGGTGG[G>A]GAGGAGGTTGAGGCCATCAATGGCCCTGTCGCTGGGCGGCGTCAGGCCCGCAAGGGCCAG-3'
Protein context (NP_000503.1, residues 360-380): DRAIDGLNLL[Pro370Ser]TLLQGRLMDR

ClinVar aggregate classification (germline): Conflicting classifications of pathogenicity. Review status: criteria provided, conflicting classifications (1 of 4 stars). 4 submissions from 4 submitters: Likely pathogenic (1); Uncertain significance (3). Last evaluated 2024-02-04.

Conditions:
Mucopolysaccharidosis, MPS-IV-A (MPS4A). Also called: MPS IVA; Morquio syndrome A, mild; GALACTOSAMINE-6-SULFATASE DEFICIENCY; GALNS DEFICIENCY; MORQUIO A DISEASE; Mucopolysaccharidosis type IV A. Identifiers: Orphanet 309297, Orphanet 582, MedGen C0086651, MONDO:0009659, OMIM 253000.

Allele frequency attached by ClinVar (database versions not stated): gnomAD exomes below 0.00001 and 0.00002; gnomAD 0.00001; TOPMed 0.00001; ExAC 0.00003.
gnomAD v4.1: 4 of 1,612,556 alleles (0.00025%); highest among the groups gnomAD compares: East Asian, 0.0067%; no homozygotes.

Submissions (4):

Labcorp Genetics (formerly Invitae), Labcorp
Classification: Likely pathogenic for Mucopolysaccharidosis, MPS-IV-A. Last evaluated: 2024-02-04. Review status: criteria provided, single submitter. Criteria: Invitae Variant Classification Sherloc (09022015). Collection method: clinical testing. Allele origin: germline.
Comment: This sequence change replaces proline, which is neutral and non-polar, with serine, which is neutral and polar, at codon 370 of the GALNS protein (p.Pro370Ser). This variant is present in population databases (rs749891007, gnomAD 0.02%). This missense change has been observed in individual(s) with clinical features of mucopolysaccharidosis type IVA (PMID: 32014045). ClinVar contains an entry for this variant (Variation ID: 884853). Advanced modeling of protein sequence and biophysical properties (such as structural, functional, and spatial information, amino acid conservation, physicochemical variation, residue mobility, and thermodynamic stability) performed at Invitae indicates that this missense variant is expected to disrupt GALNS protein function with a positive predictive value of 95%. In summary, the currently available evidence indicates that the variant is pathogenic, but additional data are needed to prove that conclusively. Therefore, this variant has been classified as Likely Pathogenic.

Genome-Nilou Lab
Classification: Uncertain significance for Mucopolysaccharidosis, MPS-IV-A. Last evaluated: 2021-11-07. Review status: criteria provided, single submitter. Criteria: ACMG Guidelines, 2015. Collection method: clinical testing. Allele origin: germline. Affected: no.

Laboratory of Diagnosis and Therapy of Lysosomal Disorders, University of Padova
Classification: Uncertain significance for Mucopolysaccharidosis, MPS-IV-A. Last evaluated: 2021-02-01. Review status: criteria provided, single submitter. Criteria: ACMG Guidelines, 2015. Collection method: curation. Allele origin: germline.
Comment: Very low frequency in gnomAD v2.1.1 (PM2_moderate)

Illumina Laboratory Services, Illumina
Classification: Uncertain significance for Mucopolysaccharidosis, MPS-IV-A. Last evaluated: 2018-01-13. Review status: criteria provided, single submitter. Criteria: ICSL Variant Classification Criteria 13 December 2019. Collection method: clinical testing. Allele origin: germline.

Literature cited by the submitters: PubMed 32014045 (cited by Labcorp Genetics (formerly Invitae), Labcorp and Laboratory of Diagnosis and Therapy of Lysosomal Disorders, University of Padova); PubMed 34387910 (cited by Laboratory of Diagnosis and Therapy of Lysosomal Disorders, University of Padova).